The following is an entry in ClinVar:

NM_001042492.3(NF1):c.4228T>A (p.Phe1410Ile)

Gene: NF1 (neurofibromin 1; plus strand). Cytogenetic location: 17q11.2.
Variant type: single nucleotide variant.
Coding change: c.4228T>A on transcript NM_001042492.3 (MANE Select); coding-DNA position 4228, T replaced by A.
Protein change: p.Phe1410Ile; replaces phenylalanine 1410 with isoleucine.
Molecular consequence: missense variant.
Genome position (GRCh38, 1-based): chr17:31,258,398, T>A. VCF-style: chr17-31258398-T-A. GRCh37 (hg19) VCF-style: chr17-29585416-T-A.
Other names: c.4165T>A, p.Phe1389Ile (NM_000267.4); short protein forms F1389I, F1410I.
Identifiers: ClinVar variation 1051970 (VCV001051970.9), dbSNP rs2151461937, ClinGen allele CA398997806.
Genomic context (GRCh38, chr17:31,258,398, plus strand): 5'-TTTTAGGTGGTTAGCCAGCGTTTCCCTCAGAACAGCATCGGTGCAGTAGGAAGTGCCATG[T>A]TCCTCAGATTTATCAATCCTGCCATTGTCTCACCGTATGAAGCAGGGATTTTAGATAAAA-3'
Protein context (NP_001035957.1, residues 1400-1420): NSIGAVGSAM[Phe1410Ile]LRFINPAIVS

ClinVar aggregate classification (germline): Conflicting classifications of pathogenicity. Review status: criteria provided, conflicting classifications (1 of 4 stars). 3 submissions from 3 submitters: Likely pathogenic (1); Uncertain significance (2). Last evaluated 2024-11-04.

Conditions:
Cardiovascular phenotype. Identifiers: MedGen CN230736.
Hereditary cancer-predisposing syndrome. Also called: Hereditary Cancer Syndrome; Tumor predisposition; Hereditary neoplastic syndrome; Neoplastic Syndromes, Hereditary. Identifiers: Orphanet 140162, MedGen C0027672, MeSH D009386, MONDO:0015356.
Neurofibromatosis-Noonan syndrome (NFNS). Also called: NEUROFIBROMATOSIS WITH NOONAN PHENOTYPE. Identifiers: Orphanet 638, MedGen C2931482, MONDO:0011035, OMIM 601321. Disease mechanism: loss of function.
Neurofibromatosis, type 1 (NF1). Also called: Peripheral type neurofibromatosis; Neurofibromatosis, type I; VON RECKLINGHAUSEN DISEASE; NEUROFIBROMATOSIS, TYPE I, SOMATIC. Identifiers: Orphanet 636, MedGen C0027831, MONDO:0018975, OMIM 162200. Disease mechanism: loss of function.

Submissions (3):

Ambry Genetics
Classification: Uncertain significance for Cardiovascular phenotype; Hereditary cancer-predisposing syndrome. Last evaluated: 2024-11-04. Review status: criteria provided, single submitter. Criteria: Ambry Variant Classification Scheme 2023. Collection method: clinical testing. Allele origin: germline.
Comment: The p.F1389I variant (also known as c.4165T>A), located in coding exon 31 of the NF1 gene, results from a T to A substitution at nucleotide position 4165. The phenylalanine at codon 1389 is replaced by isoleucine, an amino acid with highly similar properties. This amino acid position is highly conserved in available vertebrate species. In addition, this alteration is predicted to be deleterious by in silico analysis. Since supporting evidence is limited at this time, the clinical significance of this alteration remains unclear.

Labcorp Genetics (formerly Invitae), Labcorp
Classification: Uncertain significance for Neurofibromatosis, type 1. Last evaluated: 2022-02-24. Review status: criteria provided, single submitter. Criteria: Invitae Variant Classification Sherloc (09022015). Collection method: clinical testing. Allele origin: germline.
Comment: Advanced modeling of protein sequence and biophysical properties (such as structural, functional, and spatial information, amino acid conservation, physicochemical variation, residue mobility, and thermodynamic stability) performed at Invitae indicates that this missense variant is expected to disrupt NF1 protein function. In summary, the available evidence is currently insufficient to determine the role of this variant in disease. Therefore, it has been classified as a Variant of Uncertain Significance. ClinVar contains an entry for this variant (Variation ID: 1051970). This variant has not been reported in the literature in individuals affected with NF1-related conditions. This variant is not present in population databases (gnomAD no frequency). This sequence change replaces phenylalanine, which is neutral and non-polar, with isoleucine, which is neutral and non-polar, at codon 1389 of the NF1 protein (p.Phe1389Ile).

HudsonAlpha Institute for Biotechnology
Classification: Likely pathogenic for Neurofibromatosis-Noonan syndrome. Last evaluated: 2021-05-10. Review status: criteria provided, single submitter. Criteria: ACMG Guidelines, 2015. Collection method: research. Allele origin: de novo. Affected: yes. Observed: 1 variant allele. Study: CSER-SouthSeq.
Comment: ACMG codes:PS2; PM1; PM2; PP3